The following is an entry in ClinVar:

ClinVar aggregate classification (germline): Uncertain significance (1 of 4 stars; one submission).

Submission:

Labcorp Genetics (formerly Invitae), Labcorp
Classification: Uncertain significance. Last evaluated: 2023-11-27. Review status: criteria provided, single submitter. Criteria: Invitae Variant Classification Sherloc (09022015). Collection method: clinical testing. Allele origin: germline.
Comment: This sequence change falls in intron 22 of the IARS2 gene. It does not directly change the encoded amino acid sequence of the IARS2 protein. It affects a nucleotide within the consensus splice site. This variant is present in population databases (rs572006903, gnomAD 0.2%). This variant has not been reported in the literature in individuals affected with IARS2-related conditions. Variants that disrupt the consensus splice site are a relatively common cause of aberrant splicing (PMID: 17576681, 9536098). Algorithms developed to predict the effect of sequence changes on RNA splicing suggest that this variant is not likely to affect RNA splicing. In summary, the available evidence is currently insufficient to determine the role of this variant in disease. Therefore, it has been classified as a Variant of Uncertain Significance.

Literature cited by the submitters: PubMed 17576681; PubMed 9536098.

NM_018060.4(IARS2):c.2896+6_2896+8del

Gene: IARS2 (isoleucyl-tRNA synthetase 2, mitochondrial; plus strand). Cytogenetic location: 1q41.
Variant type: Microsatellite.
Coding change: c.2896+6_2896+8del on transcript NM_018060.4 (MANE Select); bases 6 to 8 of the intron after coding-DNA position 2896, 3 bases deleted (AAG; older notation c.2896+6_2896+8delAAG).
Molecular consequence: intron variant.
Genome position (GRCh38, 1-based): chr1:220,145,659-220,145,661, AAG deleted; deleting any 3 consecutive bases within chr1:220,145,656-220,145,661 gives the same sequence; the c. name uses the placement nearest the transcript's 3' end. VCF-style (leftmost placement, unchanged base first): chr1-220145655-TAAG-T. GRCh37 (hg19) VCF-style: chr1-220318997-TAAG-T.
Identifiers: ClinVar variation 2179405 (VCV002179405.2), dbSNP rs572006903, ClinGen allele CA1401868.